The following is an entry in ClinVar:

ClinVar aggregate classification (germline): Uncertain significance. Review status: criteria provided, multiple submitters, no conflicts (2 of 4 stars). 2 submissions from 2 submitters: Uncertain significance (2). Last evaluated 2024-11-16.

Conditions:
Hereditary cancer-predisposing syndrome. Also called: Hereditary neoplastic syndrome; Neoplastic Syndromes, Hereditary; Tumor predisposition; Hereditary Cancer Syndrome. Identifiers: Orphanet 140162, MedGen C0027672, MeSH D009386, MONDO:0015356.
Familial cancer of breast. Also called: hereditary breast carcinoma; Hereditary breast cancer; BREAST CANCER, FAMILIAL. Identifiers: Orphanet 227535, MedGen C0346153, MONDO:0016419, OMIM 114480. Disease mechanism: loss of function.

gnomAD v4.1: 1 of 1,614,192 alleles (0.000062%); highest among the groups gnomAD compares: Non-Finnish European, 0.000085%; no homozygotes.

Submissions (2):

Ambry Genetics
Classification: Uncertain significance for Hereditary cancer-predisposing syndrome. Last evaluated: 2024-11-16. Review status: criteria provided, single submitter. Criteria: Ambry Variant Classification Scheme 2023. Collection method: clinical testing. Allele origin: germline.
Comment: The p.C886R variant (also known as c.2656T>C), located in coding exon 7 of the PALB2 gene, results from a T to C substitution at nucleotide position 2656. The cysteine at codon 886 is replaced by arginine, an amino acid with highly dissimilar properties. This amino acid position is conserved. In addition, the in silico prediction for this alteration is inconclusive. Since supporting evidence is limited at this time, the clinical significance of this alteration remains unclear.

Labcorp Genetics (formerly Invitae), Labcorp
Classification: Uncertain significance for Familial cancer of breast. Last evaluated: 2019-09-12. Review status: criteria provided, single submitter. Criteria: Invitae Variant Classification Sherloc (09022015). Collection method: clinical testing. Allele origin: germline.
Comment: In summary, the available evidence is currently insufficient to determine the role of this variant in disease. Therefore, it has been classified as a Variant of Uncertain Significance. Algorithms developed to predict the effect of missense changes on protein structure and function output the following: SIFT: "Deleterious"; PolyPhen-2: "Probably Damaging"; Align-GVGD: "Class C65". The arginine amino acid residue is found in multiple mammalian species, suggesting that this missense change does not adversely affect protein function. These predictions have not been confirmed by published functional studies and their clinical significance is uncertain. This variant has not been reported in the literature in individuals with PALB2-related disease. This variant is not present in population databases (ExAC no frequency). This sequence change replaces cysteine with arginine at codon 886 of the PALB2 protein (p.Cys886Arg). The cysteine residue is highly conserved and there is a large physicochemical difference between cysteine and arginine.

NM_024675.4(PALB2):c.2656T>C (p.Cys886Arg)

Gene: PALB2 (partner and localizer of BRCA2; minus strand). Cytogenetic location: 16p12.2.
Variant type: single nucleotide variant.
Coding change: c.2656T>C on transcript NM_024675.4 (MANE Select); coding-DNA position 2656, T replaced by C.
Protein change: p.Cys886Arg; replaces cysteine 886 with arginine.
Molecular consequence: missense variant.
Genome position (GRCh38, 1-based): chr16:23,626,328, A>G on the plus strand (T>C on the coding strand, the complement: PALB2 is on the minus strand). VCF-style: chr16-23626328-A-G. GRCh37 (hg19) VCF-style: chr16-23637649-A-G.
Other names: short protein forms C886R.
Identifiers: ClinVar variation 565851 (VCV000565851.16), dbSNP rs1555459977, ClinGen allele CA395122108.
Genomic context (GRCh38, chr16:23,626,328, plus strand): 5'-ACTGCCAAGCATCCAGAGCTTTCCAAAGAGAAACTACATCTTCGCAAGCAGTTATGATAC[A>G]TGGCTCTTTACAACCGGCTCTTTCCCAAAACATGGCACTCACATCTACGGAACAGGAACC-3'
Protein context (NP_078951.2, residues 876-896): FWERAGCKEP[Cys886Arg]IITACEDVVS